The following is an entry in ClinVar:

ClinVar aggregate classification (germline): Uncertain significance (1 of 4 stars; one submission).

Conditions:
Hereditary sensory neuropathy-deafness-dementia syndrome. Also called: HSN IE; NEUROPATHY, HEREDITARY SENSORY, WITH HEARING LOSS AND DEMENTIA; Hereditary sensory neuropathy type IE; Hereditary Sensory and Autonomic Neuropathy Type 1E (HSAN1E). Identifiers: Orphanet 456318, MedGen C3279885, MONDO:0013584, OMIM 614116.

Allele frequency attached by ClinVar (database versions not stated): gnomAD exomes below 0.00001 and 0.00001; ExAC 0.00001.
gnomAD v4.1: 4 of 1,613,296 alleles (0.00025%); highest among the groups gnomAD compares: Admixed American, 0.0033%; no homozygotes.

Submission:

Labcorp Genetics (formerly Invitae), Labcorp
Classification: Uncertain significance for Hereditary sensory neuropathy-deafness-dementia syndrome. Last evaluated: 2019-05-21. Review status: criteria provided, single submitter. Criteria: Invitae Variant Classification Sherloc (09022015). Collection method: clinical testing. Allele origin: germline.
Comment: Algorithms developed to predict the effect of missense changes on protein structure and function are either unavailable or do not agree on the potential impact of this missense change (SIFT: "Deleterious"; PolyPhen-2: "Probably Damaging"; Align-GVGD: "Class C0"). This sequence change replaces glycine with serine at codon 1313 of the DNMT1 protein (p.Gly1313Ser). The glycine residue is highly conserved and there is a small physicochemical difference between glycine and serine. This variant is present in population databases (rs767041788, ExAC 0.01%). This variant has not been reported in the literature in individuals with DNMT1-related conditions. Algorithms developed to predict the effect of sequence changes on RNA splicing suggest that this variant may create or strengthen a splice site, but this prediction has not been confirmed by published transcriptional studies. In summary, the available evidence is currently insufficient to determine the role of this variant in disease. Therefore, it has been classified as a Variant of Uncertain Significance.

NM_001130823.3(DNMT1):c.3937G>A (p.Gly1313Ser)

Gene: DNMT1 (DNA methyltransferase 1; minus strand). Cytogenetic location: 19p13.2.
Variant type: single nucleotide variant.
Coding change: c.3937G>A on transcript NM_001130823.3 (MANE Select); coding-DNA position 3937, G replaced by A.
Protein change: p.Gly1313Ser; replaces glycine 1313 with serine.
Molecular consequence: missense variant.
Genome position (GRCh38, 1-based): chr19:10,139,687, C>T on the plus strand (G>A on the coding strand, the complement: DNMT1 is on the minus strand). VCF-style: chr19-10139687-C-T. GRCh37 (hg19) VCF-style: chr19-10250363-C-T.
Other names: c.3889G>A, p.Gly1297Ser (NM_001318730.2, NM_001379.4); c.3574G>A, p.Gly1192Ser (NM_001318731.2); short protein forms G1192S, G1313S, G1297S.
Identifiers: ClinVar variation 933932 (VCV000933932.9), dbSNP rs767041788, ClinGen allele CA9187644.